The following is an entry in ClinVar:

ClinVar aggregate classification (germline): Conflicting classifications of pathogenicity. Review status: criteria provided, conflicting classifications (1 of 4 stars). 3 submissions from 3 submitters: Uncertain significance (2); Likely benign (1). Last evaluated 2026-01-30.

Conditions:
Renal cell carcinoma. Identifiers: Orphanet 217071, MedGen C0007134, MeSH D002292, MONDO:0005086, HP:0005584.
Hereditary cancer-predisposing syndrome. Also called: Neoplastic Syndromes, Hereditary; Tumor predisposition; Hereditary Cancer Syndrome; Hereditary neoplastic syndrome. Identifiers: Orphanet 140162, MedGen C0027672, MeSH D009386, MONDO:0015356.

Allele frequency attached by ClinVar (database versions not stated): gnomAD exomes below 0.00001 and 0.00001; gnomAD 0.00001; TOPMed 0.00001; ExAC 0.00002.

Submissions (3):

Labcorp Genetics (formerly Invitae), Labcorp
Classification: Uncertain significance for Renal cell carcinoma. Last evaluated: 2026-01-30. Review status: criteria provided, single submitter. Criteria: Invitae Variant Classification Sherloc (09022015). Collection method: clinical testing. Allele origin: germline.
Comment: This sequence change replaces lysine, which is basic and polar, with glutamic acid, which is acidic and polar, at codon 567 of the MET protein (p.Lys567Glu). This variant is present in population databases (rs769592729, gnomAD 0.004%). This variant has not been reported in the literature in individuals affected with MET-related conditions. ClinVar contains an entry for this variant (Variation ID: 819802). An algorithm developed to predict the effect of missense changes on protein structure and function outputs the following: PolyPhen-2: "Benign". The glutamic acid amino acid residue is found in multiple mammalian species, which suggests that this missense change does not adversely affect protein function. In summary, the available evidence is currently insufficient to determine the role of this variant in disease. Therefore, it has been classified as a Variant of Uncertain Significance.

Sema4
Classification: Uncertain significance for Hereditary cancer-predisposing syndrome. Last evaluated: 2021-10-12. Review status: criteria provided, single submitter. Criteria: Sema4 Curation Guidelines. Collection method: curation. Allele origin: germline.
Comment: The MET c.1699A>G (p.K567E) variant has not been reported in the literature to our knowledge. This variant was observed in 1/22294 chromosomes in the Finnish population according to the Genome Aggregation Database (PMID: 32461654), and has been reported in ClinVar (Variation ID: 819802). Functional studies have not been performed, and in silico predictions of the variant's effect on protein function are inconclusive. The evidence is insufficient to meet ACMG/AMP criteria for classifying the variant as benign or pathogenic. Thus, the clinical significance of this variant is currently uncertain.

Ambry Genetics
Classification: Likely benign for Hereditary cancer-predisposing syndrome. Last evaluated: 2019-05-14. Review status: criteria provided, single submitter. Criteria: Ambry Variant Classification Scheme 2023. Collection method: clinical testing. Allele origin: germline.

NM_000245.4(MET):c.1699A>G (p.Lys567Glu)

Gene: MET (MET proto-oncogene, receptor tyrosine kinase; plus strand). Cytogenetic location: 7q31.2.
Variant type: single nucleotide variant.
Coding change: c.1699A>G on transcript NM_000245.4 (MANE Select); coding-DNA position 1699, A replaced by G.
Protein change: p.Lys567Glu; replaces lysine 567 with glutamic acid.
Molecular consequence: missense variant.
Genome position (GRCh38, 1-based): chr7:116,741,023, A>G. VCF-style: chr7-116741023-A-G. GRCh37 (hg19) VCF-style: chr7-116381077-A-G.
Other names: c.1699A>G, p.Lys567Glu (NM_001127500.3, NM_001324401.3); c.409A>G, p.Lys137Glu (NM_001324402.2); short protein forms K137E, K567E.
Identifiers: ClinVar variation 819802 (VCV000819802.13), dbSNP rs769592729, ClinGen allele CA4448222.